The following is an entry in ClinVar:

NM_052947.4(ALPK2):c.6464T>G (p.Met2155Arg)

Gene: ALPK2 (alpha kinase 2; minus strand). Cytogenetic location: 18q21.31.
Variant type: single nucleotide variant.
Coding change: c.6464T>G on transcript NM_052947.4 (MANE Select); coding-DNA position 6464, T replaced by G.
Protein change: p.Met2155Arg; replaces methionine 2155 with arginine.
Molecular consequence: missense variant.
Genome position (GRCh38, 1-based): chr18:58,481,872, A>C on the plus strand (T>G on the coding strand, the complement: ALPK2 is on the minus strand). VCF-style: chr18-58481872-A-C. GRCh37 (hg19) VCF-style: chr18-56149104-A-C.
Other names: short protein forms M2155R.
Identifiers: ClinVar variation 3529554 (VCV003529554.1).

ClinVar aggregate classification (germline): Uncertain significance (1 of 4 stars; one submission).

gnomAD v4.1: 1 of 1,613,992 alleles (0.000062%); highest among the groups gnomAD compares: Non-Finnish European, 0.000085%; no homozygotes.

Submission:

Ambry Genetics
Classification: Uncertain significance. Last evaluated: 2024-09-02. Review status: criteria provided, single submitter. Criteria: Ambry Variant Classification Scheme 2023. Collection method: clinical testing. Allele origin: germline.
Comment: The p.M2155R variant (also known as c.6464T>G), located in coding exon 12 of the ALPK2 gene, results from a T to G substitution at nucleotide position 6464. The methionine at codon 2155 is replaced by arginine, an amino acid with similar properties. This amino acid position is conserved. In addition, this alteration is predicted to be tolerated by in silico analysis. Based on the available evidence, the clinical significance of this variant remains unclear.